The following is an entry in ClinVar:

NM_031418.4(ANO3):c.924A>G (p.Ile308Met)

Gene: ANO3 (anoctamin 3; plus strand). Cytogenetic location: 11p14.2.
Variant type: single nucleotide variant.
Coding change: c.924A>G on transcript NM_031418.4 (MANE Select); coding-DNA position 924, A replaced by G.
Protein change: p.Ile308Met; replaces isoleucine 308 with methionine.
Molecular consequence: missense variant.
Genome position (GRCh38, 1-based): chr11:26,534,510, A>G. VCF-style: chr11-26534510-A-G. GRCh37 (hg19) VCF-style: chr11-26556057-A-G.
Other names: c.1107A>G, p.Ile369Met (NM_001313726.2); c.486A>G, p.Ile162Met (NM_001313727.2); short protein forms I162M, I308M, I369M.
Identifiers: ClinVar variation 4990510 (VCV004990510.1).

ClinVar aggregate classification (germline): Uncertain significance (1 of 4 stars; one submission).

Conditions:
ANO3-related disorder. Also called: ANO3-related condition.

gnomAD v4.1: 11 of 1,613,300 alleles (0.00068%); highest among the groups gnomAD compares: Non-Finnish European, 0.00093%; no homozygotes.

Submission:

PreventionGenetics, part of Exact Sciences
Classification: Uncertain significance for ANO3-related condition. Last evaluated: 2025-03-28. Review status: criteria provided, single submitter. Criteria: ACMG Guidelines, 2015. Collection method: clinical testing. Allele origin: germline.
Comment: The ANO3 c.924A>G variant is predicted to result in the amino acid substitution p.Ile308Met. To our knowledge, this variant has not been reported in the literature. This variant is reported in 0.0018% of alleles in individuals of European (Non-Finnish) descent in gnomAD. Of note, other variants impacting the same amino acid (p.Ile308Leu and p.Ile308Val) have been reported in patients with ANO3-related disease (Supplemental Table in Powis et al. 2020. PubMed ID: 31628766; Table S3 in Helbig et al. 2016. PubMed ID: 26795593). At this time, the clinical significance of the c.924A>G (p.Ile308Met) variant is uncertain due to the absence of conclusive functional and genetic evidence.